The following is an entry in ClinVar:

ClinVar aggregate classification (germline): Uncertain significance. Review status: criteria provided, multiple submitters, no conflicts (2 of 4 stars). 2 submissions from 2 submitters: Uncertain significance (2). Last evaluated 2024-01-31.

Conditions:
Pancreatic adenocarcinoma. Identifiers: MedGen C0281361, MONDO:0006047, HP:0006725.

Submissions (2):

Ambry Genetics
Classification: Uncertain significance. Last evaluated: 2024-01-31. Review status: criteria provided, single submitter. Criteria: Ambry Variant Classification Scheme 2023. Collection method: clinical testing. Allele origin: germline.
Comment: The p.H823Q variant (also known as c.2469C>A), located in coding exon 13 of the PALLD gene, results from a C to A substitution at nucleotide position 2469. The histidine at codon 823 is replaced by glutamine, an amino acid with highly similar properties. This amino acid position is conserved. In addition, the in silico prediction for this alteration is inconclusive. Based on the available evidence, the clinical significance of this alteration remains unclear.

Labcorp Genetics (formerly Invitae), Labcorp
Classification: Uncertain significance for Pancreatic adenocarcinoma. Last evaluated: 2023-10-03. Review status: criteria provided, single submitter. Criteria: Invitae Variant Classification Sherloc (09022015). Collection method: clinical testing. Allele origin: germline.
Comment: This sequence change replaces histidine, which is basic and polar, with glutamine, which is neutral and polar, at codon 336 of the PALLD protein (p.His336Gln). This variant is not present in population databases (gnomAD no frequency). This variant has not been reported in the literature in individuals affected with PALLD-related conditions. ClinVar contains an entry for this variant (Variation ID: 219932). An algorithm developed to predict the effect of missense changes on protein structure and function (PolyPhen-2) suggests that this variant is likely to be disruptive. In summary, the available evidence is currently insufficient to determine the role of this variant in disease. Therefore, it has been classified as a Variant of Uncertain Significance.

NM_001166108.2(PALLD):c.2520C>A (p.His840Gln)

Genes: CBR4 (carbonyl reductase 4; minus strand), PALLD (palladin, cytoskeletal associated protein; plus strand). Cytogenetic location: 4q32.3.
Variant type: single nucleotide variant.
Coding change: c.2520C>A on transcript NM_001166108.2 (MANE Select); coding-DNA position 2520, C replaced by A.
Protein change: p.His840Gln; replaces histidine 840 with glutamine.
Molecular consequence: missense variant.
Genome position (GRCh38, 1-based): chr4:168,903,804, C>A. VCF-style: chr4-168903804-C-A. GRCh37 (hg19) VCF-style: chr4-169824955-C-A.
Other names: c.1323C>A, p.His441Gln (NM_001166109.2); c.1008C>A, p.His336Gln (NM_001166110.2); c.348C>A, p.His116Gln (NM_001367567.1, NM_001367569.1); c.399C>A, p.His133Gln (NM_001367568.1, NM_001367570.1); c.2469C>A, p.His823Gln (NM_016081.4); c.2469C>A (NM_016081.3); short protein forms H823Q, H336Q, H133Q, H840Q, H116Q, H441Q.
Identifiers: ClinVar variation 219932 (VCV000219932.8), dbSNP rs864622316, ClinGen allele CA349751.